The following is an entry in ClinVar:

ClinVar aggregate classification (germline): Uncertain significance. Review status: criteria provided, multiple submitters, no conflicts (2 of 4 stars). 15 submissions from 15 submitters: Uncertain significance (14). 1 of the submissions does not count toward it. Last evaluated 2026-02-11.

Conditions:
Familial cancer of breast. Also called: hereditary breast carcinoma; BREAST CANCER, FAMILIAL; Hereditary breast cancer. Identifiers: Orphanet 227535, MedGen C0346153, MONDO:0016419, OMIM 114480. Disease mechanism: loss of function.
Bone osteosarcoma. Also called: Osteosarcoma, somatic. Identifiers: Orphanet 668, MedGen C0585442, MONDO:0002629, OMIM 259500.
CHEK2-related cancer predisposition (TPDS4). Also called: CHEK2-related cancer susceptibility; TUMOR PREDISPOSITION SYNDROME 4; CANCER PREDISPOSITION SYNDROME, CHEK2-RELATED. Identifiers: Orphanet 524, MedGen C5882668, MONDO:0700271, OMIM 609265.
Prostate cancer. Also called: Malignant tumor of prostate. Identifiers: Orphanet 1331, MedGen C0376358, MONDO:0008315, HP:0012125.
Colorectal cancer. Also called: Colorectal cancer, somatic; Malignant Colorectal Neoplasm. Identifiers: MedGen C0346629, MONDO:0005575, OMIM 114500.
Predisposition to cancer.
Hereditary cancer-predisposing syndrome. Also called: Neoplastic Syndromes, Hereditary; Hereditary neoplastic syndrome; Hereditary Cancer Syndrome; Tumor predisposition. Identifiers: Orphanet 140162, MedGen C0027672, MeSH D009386, MONDO:0015356.

Allele frequency attached by ClinVar (database versions not stated): TOPMed 0.00003; ESP Exome Variant Server 0.00014; gnomAD 0.00006 and 0.00005; gnomAD exomes 0.00006 and 0.00002; ExAC 0.00001.
gnomAD v4.1: 92 of 1,596,300 alleles (0.0058%); highest among the groups gnomAD compares: Non-Finnish European, 0.007%; no homozygotes.

Submissions 1 to 11 of 15:

St. Jude Molecular Pathology, St. Jude Children's Research Hospital
Classification: Uncertain significance for Predisposition to cancer. Last evaluated: 2026-02-11. Review status: criteria provided, single submitter. Criteria: St. Jude Assertion Criteria 2020. Collection method: clinical testing. Allele origin: germline.
Comment: The CHEK2 c.1582G>A p.(Glu528Lys) missense change has a maximum subpopulation frequency of 0.01% in gnomAD v2.1.1. The in silico tool REVEL predicts a benign effect on protein function and this variant was found to be functional in a yeast-based assay (PMID: 30851065). To our knowledge, this variant has not been reported as pathogenic in individuals with CHEK2-related tumors. In summary, the evidence currently available is insufficient to determine the clinical significance of this variant. It has therefore been classified as of uncertain significance.

Labcorp Genetics (formerly Invitae), Labcorp
Classification: Uncertain significance for Familial cancer of breast. Last evaluated: 2026-01-12. Review status: criteria provided, single submitter. Criteria: Invitae Variant Classification Sherloc (09022015). Collection method: clinical testing. Allele origin: germline.
Comment: This sequence change replaces glutamic acid, which is acidic and polar, with lysine, which is basic and polar, at codon 528 of the CHEK2 protein (p.Glu528Lys). The frequency data for this variant in the population databases is considered unreliable, as metrics indicate poor data quality at this position in the gnomAD database. This missense change has been observed in individual(s) with diffuse large B cell lymphoma and colorectal cancer (PMID: 23960188, 28135145, 34326862). ClinVar contains an entry for this variant (Variation ID: 142361). An algorithm developed to predict the effect of missense changes on protein structure and function (PolyPhen-2) suggests that this variant is likely to be tolerated. Experimental studies have shown that this missense change does not substantially affect CHEK2 function (PMID: 30851065, 37449874). In summary, the available evidence is currently insufficient to determine the role of this variant in disease. Therefore, it has been classified as a Variant of Uncertain Significance.

Quest Diagnostics Nichols Institute San Juan Capistrano
Classification: Uncertain significance. Last evaluated: 2025-06-19. Review status: criteria provided, single submitter. Criteria: Quest Diagnostics criteria. Collection method: clinical testing. Allele origin: unknown.
Comment: The CHEK2 c.1582G>A (p.Glu528Lys) variant has been reported individuals with colorectal cancer (PMID: 28135145 (2017)), diffuse large B-cell lymphoma (PMID: 23960188 (2013)), and breast cancer (PMID 33471991 (2021), see also LOVD). This variant has also been identified in reportedly healthy individuals (PMID: 33471991 (2021), see also LOVD). A yeast functional assay found that this variant had a benign effect on protein function (PMID: 30851065 (2019)). The frequency of this variant in the general population, 0.00004 (5/124096 chromosomes), is uninformative in assessment of its pathogenicity. Analysis of this variant using bioinformatics tools for the prediction of the effect of amino acid changes on protein structure and function yielded predictions that this variant is benign. Based on the available information, we are unable to determine the clinical significance of this variant.

Color Diagnostics, LLC DBA Color Health
Classification: Uncertain significance for Hereditary cancer-predisposing syndrome. Last evaluated: 2025-03-04. Review status: criteria provided, single submitter. Criteria: ACMG Guidelines, 2015. Collection method: clinical testing. Allele origin: germline.
Comment: This missense variant replaces glutamic acid with lysine at codon 528 of the CHEK2 protein. Computational prediction suggests that this variant may not impact protein structure and function. Functional studies have shown that this variant has no impact on CHEK2 function in a yeast based DNA damage repair assay (PMID: 30851065), and no impact on KAP1 phosphorylation and intermediate impact on CHEK2 autophosphorylation in a human cell complementation assay (PMID: 37449874). This variant has been reported in individuals affected with colorectal cancer in the literature (PMID: 28135145). This variant has been reported in two large breast cancer case-control metanalyses; reported in 3/60466 cases and 3/53461 unaffected controls (PMID: 33471991) and 3/73048 cases and 2/88658 unaffected controls (PMID: 37449874). This variant has been identified in 8/265030 chromosomes in the general population by the Genome Aggregation Database (gnomAD). The available evidence is insufficient to determine the role of this variant in disease conclusively. Therefore, this variant is classified as a Variant of Uncertain Significance.

Ambry Genetics
Classification: Uncertain significance for Hereditary cancer-predisposing syndrome. Last evaluated: 2024-11-07. Review status: criteria provided, single submitter. Criteria: Ambry Variant Classification Scheme 2023. Collection method: clinical testing. Allele origin: germline.
Comment: The p.E528K variant (also known as c.1582G>A), located in coding exon 14 of the CHEK2 gene, results from a G to A substitution at nucleotide position 1582. The glutamic acid at codon 528 is replaced by lysine, an amino acid with similar properties. This alteration behaved as functional in an in vivo, yeast-based growth rate assay (Delimitsou A et al. Hum. Mutat., 2019 05;40:631-648). This amino acid position is highly conserved in available vertebrate species. In addition, this alteration is predicted to be tolerated by in silico analysis. Based on the available evidence, the clinical significance of this variant remains unclear.

Blueprint Genetics
Classification: Uncertain significance. Last evaluated: 2024-09-03. Review status: criteria provided, single submitter. Criteria: ACMG Guidelines, 2015. Collection method: clinical testing. Allele origin: germline.

Baylor Genetics
Classification: Uncertain significance for Familial cancer of breast. Last evaluated: 2024-02-17. Review status: criteria provided, single submitter. Criteria: ACMG Guidelines, 2015. Collection method: clinical testing. Allele origin: unknown.

Department of Pathology and Laboratory Medicine, Sinai Health System
Classification: Uncertain significance for CHEK2-related cancer predisposition. Last evaluated: 2023-08-29. Review status: criteria provided, single submitter. Criteria: ACMG Guidelines, 2015. Collection method: clinical testing. Allele origin: germline. Affected: yes.

GeneDx
Classification: Uncertain significance. Last evaluated: 2023-08-23. Review status: criteria provided, single submitter. Criteria: GeneDx Variant Classification Process June 2021. Collection method: clinical testing. Allele origin: germline. Affected: yes.
Comment: Not observed at significant frequency in large population cohorts (gnomAD); In silico analysis supports that this missense variant does not alter protein structure/function; Observed in individuals with colon cancer and lymphoma (de Miranda et al., 2013; Yurgelun et al., 2017); Published functional studies demonstrate no damaging effect: cell growth and proliferation after DNA damage similar to wild type (Delimitsou et al., 2019); This variant is associated with the following publications: (PMID: 23960188, 28135145, 28211887, 31398194, 32906215, 30851065)

Myriad Genetics, Inc.
Classification: Uncertain significance for Familial cancer of breast. Last evaluated: 2023-03-09. Review status: criteria provided, single submitter. Criteria: Myriad Autosomal Dominant, Autosomal Recessive and X-Linked Classification Criteria (2023). Collection method: clinical testing. Allele origin: unknown.
Comment: This variant is classified as a variant of uncertain significance as there is insufficient evidence to determine its impact on protein function and/or cancer risk.

Fulgent Genetics
Classification: Uncertain significance for Familial cancer of breast; Colorectal cancer; Familial prostate cancer; Bone osteosarcoma; CHEK2-related cancer predisposition. Last evaluated: 2022-02-14. Review status: criteria provided, single submitter. Criteria: ACMG Guidelines, 2015. Collection method: clinical testing. Allele origin: unknown.

NM_007194.4(CHEK2):c.1582G>A (p.Glu528Lys)

Gene: CHEK2 (checkpoint kinase 2; minus strand). Cytogenetic location: 22q12.1.
Variant type: single nucleotide variant.
Coding change: c.1582G>A on transcript NM_007194.4 (MANE Select); coding-DNA position 1582, G replaced by A.
Protein change: p.Glu528Lys; replaces glutamic acid 528 with lysine.
Molecular consequence: missense variant.
Genome position (GRCh38, 1-based): chr22:28,687,947, C>T on the plus strand (G>A on the coding strand, the complement: CHEK2 is on the minus strand). VCF-style: chr22-28687947-C-T. GRCh37 (hg19) VCF-style: chr22-29083935-C-T.
Other names: p.E528K:GAG>AAG; c.1495G>A, p.Glu499Lys (NM_145862.3); c.1711G>A, p.Glu571Lys (NM_001005735.3); c.919G>A, p.Glu307Lys (NM_001257387.3); c.1381G>A, p.Glu461Lys (NM_001349956.3); short protein forms E528K, E571K, E307K, E461K, E499K.
Identifiers: ClinVar variation 142361 (VCV000142361.39), dbSNP rs138040612, ClinGen allele CA294377.